The following is an entry in ClinVar:

NM_001271.4(CHD2):c.1382_1383delinsAAGTCTGAA (p.Leu461delinsGlnValTer)

Gene: CHD2 (chromodomain helicase DNA binding protein 2; plus strand). Cytogenetic location: 15q26.1.
Variant type: Indel.
Coding change: c.1382_1383delinsAAGTCTGAA on transcript NM_001271.4 (MANE Select); coding-DNA positions 1382 to 1383, TG replaced by AAGTCTGAA.
Protein change: p.Leu461delinsGlnValTer.
Molecular consequence: nonsense.
Genome position (GRCh38, 1-based): chr15:92,948,956-92,948,957, TG replaced by AAGTCTGAA. VCF-style: chr15-92948956-TG-AAGTCTGAA. GRCh37 (hg19) VCF-style: chr15-93492186-TG-AAGTCTGAA.
Other names: c.1382_1383delinsAAGTCTGAA, p.Leu461delinsGlnValTer (NM_001042572.3).
Identifiers: ClinVar variation 569905 (VCV000569905.6), dbSNP rs1567138270, ClinGen allele CA891843514.

ClinVar aggregate classification (germline): Pathogenic (1 of 4 stars; one submission).

Conditions:
Developmental and epileptic encephalopathy 94 (DEE94). Also called: CHD2-Related Neurodevelopmental Disorders; Epileptic encephalopathy, childhood-onset. Identifiers: Orphanet 1942, Orphanet 2382, MedGen C3809278, MONDO:0014150, OMIM 615369.

Submission:

Labcorp Genetics (formerly Invitae), Labcorp
Classification: Pathogenic for Developmental and epileptic encephalopathy 94. Last evaluated: 2018-06-25. Review status: criteria provided, single submitter. Criteria: Invitae Variant Classification Sherloc (09022015). Collection method: clinical testing. Allele origin: germline.
Comment: For these reasons, this variant has been classified as Pathogenic. Loss-of-function variants in CHD2 are known to be pathogenic (PMID: 23708187, 24207121). This variant has not been reported in the literature in individuals with CHD2-related disease. This variant is not present in population databases (ExAC no frequency). This sequence change creates a premature translational stop signal (p.Leu461Glnfs*3) in the CHD2 gene. It is expected to result in an absent or disrupted protein product.

Literature cited by the submitters: PubMed 23708187; PubMed 24207121.